The following is an entry in ClinVar:

ClinVar aggregate classification (germline): Uncertain significance (1 of 4 stars; one submission).

Conditions:
Holocarboxylase synthetase deficiency. Also called: MULTIPLE CARBOXYLASE DEFICIENCY, EARLY ONSET. Identifiers: Orphanet 79242, MedGen C0268581, MONDO:0009666, OMIM 253270.

Allele frequency attached by ClinVar (database versions not stated): gnomAD exomes below 0.00001; ExAC 0.00001; gnomAD 0.00003; TOPMed 0.00004.
gnomAD v4.1: 6 of 1,607,540 alleles (0.00037%); highest among the groups gnomAD compares: African/African-American, 0.0053%; no homozygotes.

Submission:

Labcorp Genetics (formerly Invitae), Labcorp
Classification: Uncertain significance for Holocarboxylase synthetase deficiency. Last evaluated: 2022-04-22. Review status: criteria provided, single submitter. Criteria: Invitae Variant Classification Sherloc (09022015). Collection method: clinical testing. Allele origin: germline.
Comment: This sequence change replaces methionine, which is neutral and non-polar, with threonine, which is neutral and polar, at codon 590 of the HLCS protein (p.Met590Thr). This variant is present in population databases (rs753316170, gnomAD 0.008%). This variant has not been reported in the literature in individuals affected with HLCS-related conditions. Advanced modeling of protein sequence and biophysical properties (such as structural, functional, and spatial information, amino acid conservation, physicochemical variation, residue mobility, and thermodynamic stability) performed at Invitae indicates that this missense variant is not expected to disrupt HLCS protein function. In summary, the available evidence is currently insufficient to determine the role of this variant in disease. Therefore, it has been classified as a Variant of Uncertain Significance.

NM_001352514.2(HLCS):c.2210T>C (p.Met737Thr)

Gene: HLCS (holocarboxylase synthetase; minus strand). Cytogenetic location: 21q22.13.
Variant type: single nucleotide variant.
Coding change: c.2210T>C on transcript NM_001352514.2 (MANE Select); coding-DNA position 2210, T replaced by C.
Protein change: p.Met737Thr; replaces methionine 737 with threonine.
Molecular consequence: missense variant. On other transcripts: non-coding transcript variant (2).
Genome position (GRCh38, 1-based): chr21:36,759,753, A>G on the plus strand (T>C on the coding strand, the complement: HLCS is on the minus strand). VCF-style: chr21-36759753-A-G. GRCh37 (hg19) VCF-style: chr21-38132054-A-G.
Other names: c.1769T>C, p.Met590Thr (NM_000411.8, NM_001242784.3, NM_001242785.2 and 4 more transcripts); short protein forms M590T, M737T.
Identifiers: ClinVar variation 2183647 (VCV002183647.1), dbSNP rs753316170, ClinGen allele CA10020335.